The following is an entry in ClinVar:

ClinVar aggregate classification (germline): Uncertain significance. Review status: criteria provided, multiple submitters, no conflicts (2 of 4 stars). 3 submissions from 3 submitters: Uncertain significance (3). Last evaluated 2021-10-12.

Conditions:
Neuromuscular disease caused by qualitative or quantitative defects of dysferlin. Also called: Qualitative or quantitative defects of dysferlin; Dysferlinopathy. Identifiers: Orphanet 207073, MedGen C2931687, MONDO:0016145.

Allele frequency attached by ClinVar (database versions not stated): ExAC 0.00001; TOPMed 0.00001; gnomAD 0.00002; gnomAD exomes 0.00002.
gnomAD v4.1: 30 of 1,614,074 alleles (0.0019%); highest among the groups gnomAD compares: African/African-American, 0.0027%; no homozygotes.

Submissions (3):

Revvity Omics, Revvity
Classification: Uncertain significance. Last evaluated: 2021-10-12. Review status: criteria provided, single submitter. Criteria: ACMG Guidelines, 2015. Collection method: clinical testing. Allele origin: germline.

Labcorp Genetics (formerly Invitae), Labcorp
Classification: Uncertain significance for Neuromuscular disease caused by qualitative or quantitative defects of dysferlin. Last evaluated: 2021-08-31. Review status: criteria provided, single submitter. Criteria: Invitae Variant Classification Sherloc (09022015). Collection method: clinical testing. Allele origin: germline.
Comment: This sequence change replaces arginine with cysteine at codon 1413 of the DYSF protein (p.Arg1413Cys). The arginine residue is moderately conserved and there is a large physicochemical difference between arginine and cysteine. This variant is present in population databases (rs749028996, ExAC 0.002%). This variant has not been reported in the literature in individuals affected with DYSF-related conditions. ClinVar contains an entry for this variant (Variation ID: 595932). Algorithms developed to predict the effect of missense changes on protein structure and function are either unavailable or do not agree on the potential impact of this missense change (SIFT: "Deleterious"; PolyPhen-2: "Probably Damaging"; Align-GVGD: "Class C0"). In summary, the available evidence is currently insufficient to determine the role of this variant in disease. Therefore, it has been classified as a Variant of Uncertain Significance.

Eurofins Ntd Llc (ga)
Classification: Uncertain significance. Last evaluated: 2018-02-06. Review status: criteria provided, single submitter. Criteria: EGL Classification Definitions 2015. Collection method: clinical testing. Allele origin: germline. Observed: 1 variant allele, 1 heterozygote.

NM_001130987.2(DYSF):c.4291C>T (p.Arg1431Cys)

Gene: DYSF (dysferlin; plus strand). Cytogenetic location: 2p13.2.
Variant type: single nucleotide variant.
Coding change: c.4291C>T on transcript NM_001130987.2 (MANE Select); coding-DNA position 4291, C replaced by T.
Protein change: p.Arg1431Cys; replaces arginine 1431 with cysteine.
Molecular consequence: missense variant.
Genome position (GRCh38, 1-based): chr2:71,612,710, C>T. VCF-style: chr2-71612710-C-T. GRCh37 (hg19) VCF-style: chr2-71839840-C-T.
Other names: c.4240C>T, p.Arg1414Cys (NM_001130455.2, NM_001130983.2); c.4195C>T, p.Arg1399Cys (NM_001130976.2, NM_001130977.2); c.4237C>T, p.Arg1413Cys (NM_001130978.2, NM_003494.4); c.4330C>T, p.Arg1444Cys (NM_001130979.2); c.4288C>T, p.Arg1430Cys (NM_001130980.2, NM_001130981.2); c.4333C>T, p.Arg1445Cys (NM_001130982.2); c.4198C>T, p.Arg1400Cys (NM_001130984.2, NM_001130986.2); c.4291C>T, p.Arg1431Cys (NM_001130985.2); short protein forms R1413C, R1431C, R1399C, R1400C, R1430C, R1414C, R1444C, R1445C.
Identifiers: ClinVar variation 595932 (VCV000595932.9), dbSNP rs749028996, ClinGen allele CA1706957.